The following is an entry in ClinVar:

ClinVar aggregate classification (germline): Uncertain significance. Review status: criteria provided, multiple submitters, no conflicts (2 of 4 stars). 2 submissions from 2 submitters: Uncertain significance (2). Last evaluated 2025-06-11.

Conditions:
Wilson disease (WND). Also called: Wilson's disease. Identifiers: Orphanet 905, MedGen C0019202, MONDO:0010200, OMIM 277900. Disease mechanism: loss of function.

Submissions (2):

GeneDx
Classification: Uncertain significance. Last evaluated: 2025-06-11. Review status: criteria provided, single submitter. Criteria: GeneDx Variant Classification Process June 2021. Collection method: clinical testing. Allele origin: germline. Affected: yes.
Comment: Not observed at significant frequency in large population cohorts (gnomAD); In silico analysis suggests that this missense variant does not alter protein structure/function; Has not been previously published as pathogenic or benign to our knowledge

All of Us Research Program, National Institutes of Health
Classification: Uncertain significance for Wilson disease. Last evaluated: 2024-08-06. Review status: criteria provided, single submitter. Criteria: ACMG Guidelines, 2015. Collection method: clinical testing. Allele origin: germline. Inheritance: Autosomal recessive inheritance. Observed: 1 variant allele, 1 heterozygote.
Comment: This study involves interpretation of variants in research participants for the purpose of population health screening. Participant phenotype was not available at the time of variant classification. Additional details can be found in publication PMID: 35346344, PMCID: PMC8962531

NM_000053.4(ATP7B):c.154G>A (p.Gly52Ser)

Gene: ATP7B (ATPase copper transporting beta; minus strand). Cytogenetic location: 13q14.3.
Variant type: single nucleotide variant.
Coding change: c.154G>A on transcript NM_000053.4 (MANE Select); coding-DNA position 154, G replaced by A.
Protein change: p.Gly52Ser; replaces glycine 52 with serine.
Molecular consequence: missense variant.
Genome position (GRCh38, 1-based): chr13:51,975,066, C>T on the plus strand (G>A on the coding strand, the complement: ATP7B is on the minus strand). VCF-style: chr13-51975066-C-T. GRCh37 (hg19) VCF-style: chr13-52549202-C-T.
Other names: c.154G>A, p.Gly52Ser (NM_001005918.3, NM_001243182.2, NM_001330578.2 and 30 more transcripts); c.58G>A, p.Gly20Ser (NM_001406530.1, NM_001406536.1, NM_001406539.1 and 4 more transcripts); c.154G>A (NM_000053.3); short protein forms G20S, G52S.
Identifiers: ClinVar variation 3385886 (VCV003385886.2).